The following is an entry in ClinVar:

NM_000059.4(BRCA2):c.1847G>A (p.Cys616Tyr)

Gene: BRCA2 (BRCA2 DNA repair associated; plus strand). Cytogenetic location: 13q13.1.
Variant type: single nucleotide variant.
Coding change: c.1847G>A on transcript NM_000059.4 (MANE Select); coding-DNA position 1847, G replaced by A.
Protein change: p.Cys616Tyr; replaces cysteine 616 with tyrosine.
Molecular consequence: missense variant.
Genome position (GRCh38, 1-based): chr13:32,333,325, G>A. VCF-style: chr13-32333325-G-A. GRCh37 (hg19) VCF-style: chr13-32907462-G-A.
Other names: short protein forms C616Y.
Identifiers: ClinVar variation 820190 (VCV000820190.15), dbSNP rs1230674723, ClinGen allele CA387766347.

ClinVar aggregate classification (germline): Conflicting classifications of pathogenicity. Review status: criteria provided, conflicting classifications (1 of 4 stars). 3 submissions from 3 submitters: Uncertain significance (1); Likely benign (2). Last evaluated 2024-01-09.

Conditions:
Hereditary cancer-predisposing syndrome. Also called: Neoplastic Syndromes, Hereditary; Tumor predisposition; Hereditary Cancer Syndrome; Hereditary neoplastic syndrome. Identifiers: Orphanet 140162, MedGen C0027672, MeSH D009386, MONDO:0015356.
Hereditary breast ovarian cancer syndrome. Also called: Hereditary breast and/or ovarian cancer syndrome; BRCA1- and BRCA2-Associated Hereditary Breast and Ovarian Cancer; Hereditary breast and ovarian cancer syndrome; Hereditary breast and ovarian cancer; Hereditary breast and ovarian cancer syndrome (HBOC); Breast and ovarian cancer. Identifiers: Orphanet 145, MedGen C0677776, MeSH D061325, MONDO:0003582. Disease mechanism: loss of function.

Submissions (3):

Ambry Genetics
Classification: Likely benign for Hereditary cancer-predisposing syndrome. Last evaluated: 2024-01-09. Review status: criteria provided, single submitter. Criteria: Ambry Variant Classification Scheme 2023. Collection method: clinical testing. Allele origin: germline.

University of Washington Department of Laboratory Medicine, University of Washington
Classification: Likely benign for Hereditary cancer-predisposing syndrome. Last evaluated: 2023-03-23. Review status: criteria provided, single submitter. Criteria: Dines et al. (Genet Med. 2020). Collection method: curation. Allele origin: germline.
Comment: Missense variant in a coldspot region where missense variants are very unlikely to be pathogenic (PMID:31911673).

BRCA2 exon 10 coldspot. Reclassification based on statistical prior probability.

Labcorp Genetics (formerly Invitae), Labcorp
Classification: Uncertain significance for Hereditary breast ovarian cancer syndrome. Last evaluated: 2019-05-28. Review status: criteria provided, single submitter. Criteria: Invitae Variant Classification Sherloc (09022015). Collection method: clinical testing. Allele origin: germline.
Comment: In summary, the available evidence is currently insufficient to determine the role of this variant in disease. Therefore, it has been classified as a Variant of Uncertain Significance. Algorithms developed to predict the effect of missense changes on protein structure and function output the following: SIFT: "Tolerated"; PolyPhen-2: "Benign"; Align-GVGD: "Class C0". The tyrosine amino acid residue is found in multiple mammalian species, suggesting that this missense change does not adversely affect protein function. These predictions have not been confirmed by published functional studies and their clinical significance is uncertain. This variant has been observed in individuals affected with breast cancer (PMID: 17100994). This variant is not present in population databases (ExAC no frequency). This sequence change replaces cysteine with tyrosine at codon 616 of the BRCA2 protein (p.Cys616Tyr). The cysteine residue is weakly conserved and there is a large physicochemical difference between cysteine and tyrosine.

Literature cited by the submitters: PubMed 17100994 (cited by Ambry Genetics and Labcorp Genetics (formerly Invitae), Labcorp).